The following is an entry in ClinVar:

ClinVar aggregate classification (germline): Uncertain significance (1 of 4 stars; one submission).

Conditions:
Neuropathy, hereditary sensory and autonomic, type 2A (HSAN2A). Also called: WNK1-Related HSAN2 (HSAN2A); ACROOSTEOLYSIS, GIACCAI TYPE; ACROOSTEOLYSIS, NEUROGENIC; MORVAN DISEASE; NEUROPATHY, CONGENITAL SENSORY; NEUROPATHY, HEREDITARY SENSORY RADICULAR, AUTOSOMAL RECESSIVE. Identifiers: Orphanet 970, MedGen C2752089, MONDO:0024309, OMIM 201300.
Pseudohypoaldosteronism type 2C (PHA2C). Also called: Pseudohypoaldosteronism Type IIC. Identifiers: Orphanet 757, Orphanet 88940, MedGen C1840391, MONDO:0013778, OMIM 614492.

Submission:

Labcorp Genetics (formerly Invitae), Labcorp
Classification: Uncertain significance for Neuropathy, hereditary sensory and autonomic, type 2A; Pseudohypoaldosteronism type 2C. Last evaluated: 2025-08-10. Review status: criteria provided, single submitter. Criteria: Invitae Variant Classification Sherloc (09022015). Collection method: clinical testing. Allele origin: germline.
Comment: This sequence change replaces glutamine, which is neutral and polar, with histidine, which is basic and polar, at codon 579 of the WNK1 protein (p.Gln579His). This variant is not present in population databases (gnomAD no frequency). This variant has not been reported in the literature in individuals affected with WNK1-related conditions. Invitae Evidence Modeling of protein sequence and biophysical properties (such as structural, functional, and spatial information, amino acid conservation, physicochemical variation, residue mobility, and thermodynamic stability) indicates that this missense variant is not expected to disrupt WNK1 protein function with a negative predictive value of 95%. In summary, the available evidence is currently insufficient to determine the role of this variant in disease. Therefore, it has been classified as a Variant of Uncertain Significance.

NM_018979.4(WNK1):c.1737A>C (p.Gln579His)

Gene: WNK1 (WNK lysine deficient protein kinase 1; plus strand). Cytogenetic location: 12p13.33.
Variant type: single nucleotide variant.
Coding change: c.1737A>C on transcript NM_018979.4 (MANE Select); coding-DNA position 1737, A replaced by C.
Protein change: p.Gln579His; replaces glutamine 579 with histidine.
Molecular consequence: missense variant.
Genome position (GRCh38, 1-based): chr12:861,129, A>C. VCF-style: chr12-861129-A-C. GRCh37 (hg19) VCF-style: chr12-970295-A-C.
Other names: c.1737A>C, p.Gln579His (NM_001184985.2, NM_014823.3, NM_213655.5); short protein forms Q579H.
Identifiers: ClinVar variation 4789462 (VCV004789462.1).